The following is an entry in ClinVar:

ClinVar aggregate classification (germline): Uncertain significance. Review status: criteria provided, multiple submitters, no conflicts (2 of 4 stars). 4 submissions from 4 submitters: Uncertain significance (4). Last evaluated 2025-11-10.

Conditions:
Hereditary nonpolyposis colorectal neoplasms. Identifiers: MedGen C0009405, MeSH D003123.
Hereditary cancer-predisposing syndrome. Also called: Neoplastic Syndromes, Hereditary; Tumor predisposition; Hereditary Cancer Syndrome; Hereditary neoplastic syndrome. Identifiers: Orphanet 140162, MedGen C0027672, MeSH D009386, MONDO:0015356.

Allele frequency attached by ClinVar (database versions not stated): gnomAD exomes below 0.00001.
gnomAD v4.1: 3 of 1,606,754 alleles (0.00019%); highest among the groups gnomAD compares: Non-Finnish European, 0.00026%; no homozygotes.

Submissions (4):

Labcorp Genetics (formerly Invitae), Labcorp
Classification: Uncertain significance for Hereditary nonpolyposis colorectal neoplasms. Last evaluated: 2025-11-10. Review status: criteria provided, single submitter. Criteria: Invitae Variant Classification Sherloc (09022015). Collection method: clinical testing. Allele origin: germline.
Comment: This sequence change replaces glutamic acid, which is acidic and polar, with alanine, which is neutral and non-polar, at codon 253 of the PMS2 protein (p.Glu253Ala). This variant is not present in population databases (gnomAD no frequency). This variant has not been reported in the literature in individuals affected with PMS2-related conditions. ClinVar contains an entry for this variant (Variation ID: 234390). Invitae Evidence Modeling incorporating data from in vitro experimental studies (internal data) indicates that this missense variant is not expected to disrupt PMS2 function with a negative predictive value of 95%. In summary, the available evidence is currently insufficient to determine the role of this variant in disease. Therefore, it has been classified as a Variant of Uncertain Significance.

Ambry Genetics
Classification: Uncertain significance for Hereditary cancer-predisposing syndrome. Last evaluated: 2024-12-02. Review status: criteria provided, single submitter. Criteria: Ambry Variant Classification Scheme 2023. Collection method: clinical testing. Allele origin: germline.
Comment: The p.E253A variant (also known as c.758A>C), located in coding exon 7 of the PMS2 gene, results from an A to C substitution at nucleotide position 758. The glutamic acid at codon 253 is replaced by alanine, an amino acid with dissimilar properties. This amino acid position is highly conserved in available vertebrate species. In addition, the in silico prediction for this alteration is inconclusive. Based on the available evidence, the clinical significance of this variant remains unclear.

GeneDx
Classification: Uncertain significance. Last evaluated: 2024-09-04. Review status: criteria provided, single submitter. Criteria: GeneDx Variant Classification Process June 2021. Collection method: clinical testing. Allele origin: germline. Affected: yes.
Comment: Not observed at significant frequency in large population cohorts (gnomAD); In silico analysis supports that this missense variant has a deleterious effect on protein structure/function; Has not been previously published as pathogenic or benign to our knowledge; This variant is associated with the following publications: (PMID: 11574484)

Color Diagnostics, LLC DBA Color Health
Classification: Uncertain significance for Hereditary cancer-predisposing syndrome. Last evaluated: 2024-03-06. Review status: criteria provided, single submitter. Criteria: ACMG Guidelines, 2015. Collection method: clinical testing. Allele origin: germline.
Comment: This missense variant replaces glutamic acid with alanine at codon 253 of the PMS2 protein. Computational prediction is inconclusive regarding the impact of this variant on protein structure and function (internally defined REVEL score threshold 0.5 < inconclusive < 0.7, PMID: 27666373). To our knowledge, functional studies have not been reported for this variant. This variant has not been reported in individuals affected with hereditary cancer in the literature. This variant has not been identified in the general population by the Genome Aggregation Database (gnomAD). The available evidence is insufficient to determine the role of this variant in disease conclusively. Therefore, this variant is classified as a Variant of Uncertain Significance.

NM_000535.7(PMS2):c.758A>C (p.Glu253Ala)

Gene: PMS2 (PMS1 homolog 2, mismatch repair system component; minus strand). Cytogenetic location: 7p22.1.
Variant type: single nucleotide variant.
Coding change: c.758A>C on transcript NM_000535.7 (MANE Select); coding-DNA position 758, A replaced by C.
Protein change: p.Glu253Ala; replaces glutamic acid 253 with alanine.
Molecular consequence: missense variant. On other transcripts: 5 prime UTR variant (2), non-coding transcript variant (1).
Genome position (GRCh38, 1-based): chr7:5,997,371, T>G on the plus strand (A>C on the coding strand, the complement: PMS2 is on the minus strand). VCF-style: chr7-5997371-T-G. GRCh37 (hg19) VCF-style: chr7-6037002-T-G.
Other names: c.353A>C, p.Glu118Ala (NM_001322003.2, NM_001322004.2, NM_001322005.2 and 2 more transcripts); c.758A>C, p.Glu253Ala (NM_001322006.2, NM_001322014.2); c.440A>C, p.Glu147Ala (NM_001322007.2, NM_001322008.2); c.-176A>C (NM_001322011.2, NM_001322012.2); c.185A>C, p.Glu62Ala (NM_001322013.2); c.449A>C, p.Glu150Ala (NM_001322015.2); short protein forms E253A, E62A, E118A, E147A, E150A.
Identifiers: ClinVar variation 234390 (VCV000234390.14), dbSNP rs876661002, ClinGen allele CA10577347.